The following is an entry in ClinVar:

NM_005857.3(ZMPSTE24):c.-46G>A

Genes: ZMPSTE24 (zinc metallopeptidase STE24; plus strand), LOC129930253 (ATAC-STARR-seq lymphoblastoid active region 836; plus strand). Cytogenetic location: 1p34.2.
Variant type: single nucleotide variant.
Coding change: c.-46G>A on transcript NM_005857.3; 46 bases upstream of the start codon, G replaced by A.
Genome position (GRCh38, 1-based): chr1:40,258,226, G>A. VCF-style: chr1-40258226-G-A. GRCh37 (hg19) VCF-style: chr1-40723898-G-A.
Identifiers: ClinVar variation 297257 (VCV000297257.10), dbSNP rs200527699, ClinGen allele CA790865.
Genomic context (GRCh38, chr1:40,258,226, plus strand): 5'-CCTCGGAAAGAACGGATATTGCTGTGACACCGCGGGGACGCTCTGAAGGGACGAGTGTCG[G>A]TGTGGCACCGGTGCACGCTGAAGGAGCCGGCGGAACCGGGTGGCCATGGGGATGTGGGCA-3'

ClinVar aggregate classification (germline): Uncertain significance (1 of 4 stars; one submission).

Allele frequency attached by ClinVar (database versions not stated): 1000 Genomes Project 30x 0.00031; 1000 Genomes Project 0.00040; ESP Exome Variant Server 0.00092; gnomAD 0.00158 and 0.00152; TOPMed 0.00163; gnomAD exomes 0.00227 and 0.00155; ExAC 0.00134.

Submissions (2):

Breakthrough Genomics
Classification: Uncertain significance. Review status: criteria provided, single submitter. Criteria: ACMG Guidelines, 2015. Collection method: not provided. Allele origin: germline. Inheritance: Autosomal recessive inheritance. Affected: yes.

Seelig Lab, University of Washington
No classification provided (evidence only). Review status: no classification provided. Collection method: in vitro. Allele origin: not applicable. Functional consequence: effect on translation. Not counted in ClinVar's aggregate classification.
ClinVar note: "not provided" was previously submitted as the classification for the variant. However, the classification appeared to be based only on an observation of functional data so it was converted to no classification on 2025-07-30.